The following is an entry in ClinVar:

NM_005592.4(MUSK):c.207-20T>C

Gene: MUSK (muscle associated receptor tyrosine kinase; plus strand). Cytogenetic location: 9q31.3.
Variant type: single nucleotide variant.
Coding change: c.207-20T>C on transcript NM_005592.4 (MANE Select); 20 bases into the intron before coding-DNA position 207, T replaced by C.
Molecular consequence: intron variant.
Genome position (GRCh38, 1-based): chr9:110,687,097, T>C. VCF-style: chr9-110687097-T-C. GRCh37 (hg19) VCF-style: chr9-113449377-T-C.
Other names: c.207-20T>C (NM_001166280.2, NM_001166281.2).
Identifiers: ClinVar variation 259808 (VCV000259808.10), dbSNP rs71501643, ClinGen allele CA5183961.

ClinVar aggregate classification (germline): Benign. Review status: criteria provided, multiple submitters, no conflicts (2 of 4 stars). 4 submissions from 4 submitters: Benign (4). Last evaluated 2026-02-04.

Conditions:
Congenital myasthenic syndrome 9. Also called: Myasthenic syndrome, congenital, 9, associated with acetylcholine receptor deficiency. Identifiers: Orphanet 590, MedGen C4225368, MONDO:0014587, OMIM 616325.
Fetal akinesia deformation sequence 1 (FADS1). Also called: Pena-Shokeir syndrome type I; Fetal akinesia sequence. Identifiers: Orphanet 994, MedGen C1276035, MONDO:0100101, OMIM 208150, HP:0001989.

Allele frequency attached by ClinVar (database versions not stated): ESP Exome Variant Server 0.04926; 1000 Genomes Project 30x 0.05606; 1000 Genomes Project 0.05711; TOPMed 0.04962; gnomAD 0.04718 and 0.04826; gnomAD exomes 0.05535 and 0.05596; ExAC 0.05697.
gnomAD v4.1: 88,449 of 1,601,560 alleles (5.5%); highest among the groups gnomAD compares: East Asian, 8.6%; 2,628 homozygotes.

Submissions (4):

Labcorp Genetics (formerly Invitae), Labcorp
Classification: Benign for Congenital myasthenic syndrome 9; Fetal akinesia deformation sequence 1. Last evaluated: 2026-02-04. Review status: criteria provided, single submitter. Criteria: Invitae Variant Classification Sherloc (09022015). Collection method: clinical testing. Allele origin: germline.

GeneDx
Classification: Benign. Last evaluated: 2016-05-27. Review status: criteria provided, single submitter. Criteria: GeneDx Variant Classification (06012015). Collection method: clinical testing. Allele origin: germline. Affected: yes.
Comment: This variant is considered likely benign or benign based on one or more of the following criteria: it is a conservative change, it occurs at a poorly conserved position in the protein, it is predicted to be benign by multiple in silico algorithms, and/or has population frequency not consistent with disease.

Breakthrough Genomics
Classification: Benign. Review status: criteria provided, single submitter. Criteria: ACMG Guidelines, 2015. Collection method: not provided. Allele origin: germline. Inheritance: Autosomal recessive inheritance. Affected: yes.

PreventionGenetics, part of Exact Sciences
Classification: Benign. Review status: criteria provided, single submitter. Criteria: ACMG Guidelines, 2015. Collection method: clinical testing. Allele origin: germline.